The following is an entry in ClinVar:

NC_000017.10:g.(?_42151508)_(42153411_?)dup

Gene: G6PC3 (glucose-6-phosphatase catalytic subunit 3; plus strand). Cytogenetic location: 17q21.31.
Variant type: Duplication.
Identifiers: ClinVar variation 2427236 (VCV002427236.3).

ClinVar aggregate classification (germline): Uncertain significance (1 of 4 stars; one submission).

Conditions:
Autosomal recessive severe congenital neutropenia due to G6PC3 deficiency. Also called: NEUTROPENIA, SEVERE CONGENITAL, 4, AUTOSOMAL RECESSIVE; G6PC3 Deficiency. Identifiers: Orphanet 331176, MedGen C2751630, MONDO:0012930, OMIM 612541.

Submission:

Labcorp Genetics (formerly Invitae), Labcorp
Classification: Uncertain significance for Autosomal recessive severe congenital neutropenia due to G6PC3 deficiency. Last evaluated: 2022-07-26. Review status: criteria provided, single submitter. Criteria: Invitae Variant Classification Sherloc (09022015). Collection method: clinical testing. Allele origin: germline.
Comment: This variant results in a copy number gain of the genomic region encompassing exon(s) 2-6 of the G6PC3 gene. This region includes the termination codon of the gene. This copy number gain extends beyond the assayed region for this gene and therefore may encompass additional genes. As the precise location of this event is unknown, it may be in tandem or it may be located elsewhere in the genome. This variant has not been reported in the literature in individuals affected with G6PC3-related conditions. In summary, the available evidence is currently insufficient to determine the role of this variant in disease. Therefore, it has been classified as a Variant of Uncertain Significance.